The following is an entry in ClinVar:

ClinVar aggregate classification (germline): Pathogenic (1 of 4 stars; one submission).

Conditions:
Epilepsy, childhood absence, susceptibility to, 1. Also called: Epilepsy, childhood absence 1. Identifiers: Orphanet 64280, MedGen C1838604, MONDO:0020759, OMIM 600131.
Epilepsy, childhood absence, susceptibility to, 5. Identifiers: Orphanet 64280, MedGen C2677087, MONDO:0012843, OMIM 612269.

Submission:

Labcorp Genetics (formerly Invitae), Labcorp
Classification: Pathogenic for Epilepsy, childhood absence, susceptibility to, 5; Epilepsy, childhood absence, susceptibility to, 1. Last evaluated: 2022-11-03. Review status: criteria provided, single submitter. Criteria: Invitae Variant Classification Sherloc (09022015). Collection method: clinical testing. Allele origin: germline.
Comment: A gross deletion of the genomic region encompassing the full coding sequence of the GABRB3 gene has been identified. Loss-of-function variants in GABRB3 are known to be pathogenic (PMID: 26950270, 28053010). The boundaries of this event are unknown as they extend beyond the assayed region for this gene and therefore may encompass additional genes. Isolated whole-gene deletions of GABRB3 have not been reported in the literature. However, larger copy number events that include this gene have been reported (PMID: 11198279). For these reasons, this variant has been classified as Pathogenic.

Literature cited by the submitters: PubMed 26950270; PubMed 28053010; PubMed 11198279.

NC_000015.9:g.(?_26107444)_(28230334_?)del

Genes: ATP10A (ATPase phospholipid transporting 10A (putative); minus strand), GABRA5 (gamma-aminobutyric acid type A receptor subunit alpha5; plus strand), GABRB3 (gamma-aminobutyric acid type A receptor subunit beta3; minus strand), GABRG3 (gamma-aminobutyric acid type A receptor subunit gamma3; plus strand), OCA2 (OCA2 melanosomal transmembrane protein; minus strand). Cytogenetic location: 15q12-13.1.
Variant type: Deletion.
Identifiers: ClinVar variation 2423405 (VCV002423405.2).